The following is an entry in ClinVar:

NM_024426.6(WT1):c.1144A>G (p.Thr382Ala)

Gene: WT1 (WT1 transcription factor; minus strand). Cytogenetic location: 11p13.
Variant type: single nucleotide variant.
Coding change: c.1144A>G on transcript NM_024426.6 (MANE Select); coding-DNA position 1144, A replaced by G.
Protein change: p.Thr382Ala; replaces threonine 382 with alanine.
Molecular consequence: missense variant. On other transcripts: 5 prime UTR variant (1), non-coding transcript variant (1).
Genome position (GRCh38, 1-based): chr11:32,396,377, T>C on the plus strand (A>G on the coding strand, the complement: WT1 is on the minus strand). VCF-style: chr11-32396377-T-C. GRCh37 (hg19) VCF-style: chr11-32417923-T-C.
Other names: c.1129A>G (NM_024426.4); c.1093A>G, p.Thr365Ala (NM_000378.6, NM_001407045.1, NM_001407048.1 and 1 more transcripts); c.493A>G, p.Thr165Ala (NM_001198551.2); c.442A>G, p.Thr148Ala (NM_001198552.2); c.-45A>G (NM_001367854.1); c.1138A>G, p.Thr380Ala (NM_001407044.1); c.1144A>G, p.Thr382Ala (NM_001407046.1, NM_024424.5); c.1021A>G, p.Thr341Ala (NM_001407047.1); and 3 more; short protein forms T148A, T165A, T365A, T382A, T341A, T380A, T128A, T324A.
Identifiers: ClinVar variation 1005862 (VCV001005862.11), dbSNP rs1851973152, ClinGen allele CA379960031.
Genomic context (GRCh38, chr11:32,396,377, plus strand): 5'-CTGGGTAAGCACACATGAAGGGGCGTTTCTCACTGGTCTCAGATGCCGACCGTACAAGAG[T>C]CGGGGCTACTCCAGGCACACGTCGCACATCCTGCAGGCAGAGAGTAAGAGGAAGGGAGGC-3'
Protein context (NP_077744.4, residues 372-392): DVRRVPGVAP[Thr382Ala]LVRSASETSE

ClinVar aggregate classification (germline): Uncertain significance. Review status: criteria provided, multiple submitters, no conflicts (2 of 4 stars). 2 submissions from 2 submitters: Uncertain significance (2). Last evaluated 2025-09-05.

Conditions:
Wilms tumor 1 (WT1). Also called: Wilms tumor, somatic. Identifiers: Orphanet 654, MedGen CN033288, MONDO:0008679, OMIM 194070.
11p partial monosomy syndrome (WAGR). Also called: WAGR syndrome; WAGR Complex; WAGR Spectrum Disorder; CHROMOSOME 11p13 DELETION SYNDROME. Identifiers: Orphanet 893, MedGen C0206115, MONDO:0008681, OMIM 194072.
Drash syndrome (DDS). Also called: NEPHROPATHY, WILMS TUMOR, AND GENITAL ANOMALIES; WILMS TUMOR AND PSEUDO- OR TRUE HERMAPHRODITISM. Identifiers: Orphanet 220, MedGen C0950121, MONDO:0008682, OMIM 194080.
Frasier syndrome. Identifiers: Orphanet 347, MedGen C0950122, MeSH D052159, MONDO:0007635, OMIM 136680.
Inborn genetic diseases. Identifiers: MedGen C0950123, MeSH D030342.

Submissions (2):

Ambry Genetics
Classification: Uncertain significance for Inborn genetic diseases. Last evaluated: 2025-09-05. Review status: criteria provided, single submitter. Criteria: Ambry Variant Classification Scheme 2023. Collection method: clinical testing. Allele origin: germline.
Comment: The p.T377A variant (also known as c.1129A>G), located in coding exon 7 of the WT1 gene, results from an A to G substitution at nucleotide position 1129. The threonine at codon 377 is replaced by alanine, an amino acid with similar properties. This amino acid position is not well conserved in available vertebrate species. In addition, this alteration is predicted to be tolerated by in silico analysis. Based on the available evidence, the clinical significance of this variant remains unclear.

Labcorp Genetics (formerly Invitae), Labcorp
Classification: Uncertain significance for Wilms tumor 1; Drash syndrome; 11p partial monosomy syndrome; Frasier syndrome. Last evaluated: 2023-09-04. Review status: criteria provided, single submitter. Criteria: Invitae Variant Classification Sherloc (09022015). Collection method: clinical testing. Allele origin: germline.
Comment: This sequence change replaces threonine, which is neutral and polar, with alanine, which is neutral and non-polar, at codon 377 of the WT1 protein (p.Thr377Ala). This variant is not present in population databases (gnomAD no frequency). This variant has not been reported in the literature in individuals affected with WT1-related conditions. ClinVar contains an entry for this variant (Variation ID: 1005862). An algorithm developed to predict the effect of missense changes on protein structure and function (PolyPhen-2) suggests that this variant is likely to be tolerated. In summary, the available evidence is currently insufficient to determine the role of this variant in disease. Therefore, it has been classified as a Variant of Uncertain Significance.